The following is an entry in ClinVar:

ClinVar aggregate classification (germline): Uncertain significance. Review status: criteria provided, multiple submitters, no conflicts (2 of 4 stars). 3 submissions from 3 submitters: Uncertain significance (3). Last evaluated 2024-03-06.

Conditions:
RYR1-related disorder. Also called: RYR1-related condition; RYR1-related disorders. Identifiers: MedGen CN239331.
Malignant hyperthermia, susceptibility to, 1 (MHS1). Also called: Anesthesia related hyperthermia; Malignant hyperpyrexia; Fulminating hyperpyrexia; Pharmacogenic myopathy; RYR1-Related Malignant Hyperthermia Susceptibility; Malignant hyperthermia suceptibility 1. Identifiers: Orphanet 423, MedGen C2930980, MONDO:0007783, OMIM 145600.

Allele frequency attached by ClinVar (database versions not stated): ExAC 0.00001; gnomAD exomes 0.00001.
gnomAD v4.1: 5 of 1,614,062 alleles (0.00031%); highest among the groups gnomAD compares: Non-Finnish European, 0.00042%; no homozygotes.

Submissions (3):

Color Diagnostics, LLC DBA Color Health
Classification: Uncertain significance for Malignant hyperthermia, susceptibility to, 1. Last evaluated: 2024-03-06. Review status: criteria provided, single submitter. Criteria: ACMG Guidelines, 2015. Collection method: clinical testing. Allele origin: germline.
Comment: This missense variant replaces arginine with glycine at codon 829 of the RYR1 protein. Computational prediction is inconclusive regarding the impact of this variant on protein structure and function. To our knowledge, functional studies have not been reported for this variant. This variant has not been reported in individuals affected with malignant hyperthermia in the literature. This variant has been identified in 2/251296 chromosomes in the general population by the Genome Aggregation Database (gnomAD). The available evidence is insufficient to determine the role of this variant in disease conclusively. Therefore, this variant is classified as a Variant of Uncertain Significance.

All of Us Research Program, National Institutes of Health
Classification: Uncertain significance for Malignant hyperthermia, susceptibility to, 1. Last evaluated: 2023-11-30. Review status: criteria provided, single submitter. Criteria: ACMG Guidelines, 2015. Collection method: clinical testing. Allele origin: germline. Inheritance: Autosomal dominant inheritance. Observed: 3 variant alleles, 3 heterozygotes.
Comment: This missense variant replaces arginine with glycine at codon 829 of the RYR1 protein. Computational prediction is inconclusive regarding the impact of this variant on protein structure and function (internally defined REVEL score threshold 0.5 < inconclusive < 0.7, PMID: 27666373). To our knowledge, functional studies have not been reported for this variant. This variant has not been reported in individuals affected with malignant hyperthermia in the literature. This variant has been identified in 2/251296 chromosomes in the general population by the Genome Aggregation Database (gnomAD). The available evidence is insufficient to determine the role of this variant in disease conclusively. Therefore, this variant is classified as a Variant of Uncertain Significance.

This study involves interpretation of variants in research participants for the purpose of population health screening. Participant phenotype was not available at the time of variant classification. Additional details can be found in publication PMID: 35346344, PMCID: PMC8962531

Labcorp Genetics (formerly Invitae), Labcorp
Classification: Uncertain significance for RYR1-related disorder. Last evaluated: 2021-09-01. Review status: criteria provided, single submitter. Criteria: Invitae Variant Classification Sherloc (09022015). Collection method: clinical testing. Allele origin: germline.
Comment: This sequence change replaces arginine with glycine at codon 829 of the RYR1 protein (p.Arg829Gly). The arginine residue is moderately conserved and there is a moderate physicochemical difference between arginine and glycine. This variant is present in population databases (rs778320565, ExAC 0.002%). This variant has not been reported in the literature in individuals affected with RYR1-related conditions. Advanced modeling of protein sequence and biophysical properties (such as structural, functional, and spatial information, amino acid conservation, physicochemical variation, residue mobility, and thermodynamic stability) performed at Invitae indicates that this missense variant is not expected to disrupt RYR1 protein function. In summary, the available evidence is currently insufficient to determine the role of this variant in disease. Therefore, it has been classified as a Variant of Uncertain Significance.

NM_000540.3(RYR1):c.2485C>G (p.Arg829Gly)

Gene: RYR1 (ryanodine receptor 1; plus strand). Cytogenetic location: 19q13.2.
Variant type: single nucleotide variant.
Coding change: c.2485C>G on transcript NM_000540.3 (MANE Select); coding-DNA position 2485, C replaced by G.
Protein change: p.Arg829Gly; replaces arginine 829 with glycine.
Molecular consequence: missense variant.
Genome position (GRCh38, 1-based): chr19:38,460,499, C>G. VCF-style: chr19-38460499-C-G. GRCh37 (hg19) VCF-style: chr19-38951139-C-G.
Other names: c.2485C>G, p.Arg829Gly (NM_001042723.2); short protein forms R829G.
Identifiers: ClinVar variation 1046736 (VCV001046736.12), dbSNP rs778320565, ClinGen allele CA063311.